The following is an entry in ClinVar:

ClinVar aggregate classification (germline): Uncertain significance (1 of 4 stars; one submission).

Allele frequency attached by ClinVar (database versions not stated): TOPMed below 0.00001.

Submission:

Labcorp Genetics (formerly Invitae), Labcorp
Classification: Uncertain significance. Last evaluated: 2022-06-10. Review status: criteria provided, single submitter. Criteria: Invitae Variant Classification Sherloc (09022015). Collection method: clinical testing. Allele origin: germline.
Comment: This sequence change replaces isoleucine, which is neutral and non-polar, with valine, which is neutral and non-polar, at codon 2629 of the ASPM protein (p.Ile2629Val). This variant is not present in population databases (gnomAD no frequency). In summary, the available evidence is currently insufficient to determine the role of this variant in disease. Therefore, it has been classified as a Variant of Uncertain Significance. Algorithms developed to predict the effect of missense changes on protein structure and function output the following: SIFT: "Tolerated"; PolyPhen-2: "Benign"; Align-GVGD: "Class C0". The valine amino acid residue is found in multiple mammalian species, which suggests that this missense change does not adversely affect protein function. This variant has not been reported in the literature in individuals affected with ASPM-related conditions.

NM_018136.5(ASPM):c.7885A>G (p.Ile2629Val)

Gene: ASPM (assembly factor for spindle microtubules; minus strand). Cytogenetic location: 1q31.3.
Variant type: single nucleotide variant.
Coding change: c.7885A>G on transcript NM_018136.5 (MANE Select); coding-DNA position 7885, A replaced by G.
Protein change: p.Ile2629Val; replaces isoleucine 2629 with valine.
Molecular consequence: missense variant. On other transcripts: intron variant (1).
Genome position (GRCh38, 1-based): chr1:197,101,366, T>C on the plus strand (A>G on the coding strand, the complement: ASPM is on the minus strand). VCF-style: chr1-197101366-T-C. GRCh37 (hg19) VCF-style: chr1-197070496-T-C.
Other names: c.4066-5202A>G (NM_001206846.2); short protein forms I2629V.
Identifiers: ClinVar variation 2004302 (VCV002004302.4), dbSNP rs1379195705, ClinGen allele CA344014919.
Genomic context (GRCh38, chr1:197,101,366, plus strand): 5'-CTCTAAGGTGGAGATAATGCTTCCTTATTTTAAAGGCTTTACAATGCTTCTGAATAATAA[T>C]GGCAGCCTGGTGCTGTTCCTGAATCTGTTTTTTTATGTTCATGTCCTGAAAACCTGCCTG-3'
Protein context (NP_060606.3, residues 2619-2639): KQIQEQHQAA[Ile2629Val]IIQKHCKAFK